The following is an entry in ClinVar:

NM_031892.3(SH3KBP1):c.1840A>G (p.Thr614Ala)

Gene: SH3KBP1 (SH3 domain containing kinase binding protein 1; minus strand). Cytogenetic location: Xp22.12.
Variant type: single nucleotide variant.
Coding change: c.1840A>G on transcript NM_031892.3 (MANE Select); coding-DNA position 1840, A replaced by G.
Protein change: p.Thr614Ala; replaces threonine 614 with alanine.
Molecular consequence: missense variant.
Genome position (GRCh38, 1-based): chrX:19,541,977, T>C on the plus strand (A>G on the coding strand, the complement: SH3KBP1 is on the minus strand). VCF-style: chrX-19541977-T-C. GRCh37 (hg19) VCF-style: chrX-19560095-T-C.
Other names: c.1840A>G (NM_031892.2); c.1729A>G, p.Thr577Ala (NM_001024666.3); c.1126A>G, p.Thr376Ala (NM_001184960.2); c.1711A>G, p.Thr571Ala (NM_001353890.2); c.1915A>G, p.Thr639Ala (NM_001353891.2); c.1786A>G, p.Thr596Ala (NM_001353892.2); c.1738A>G, p.Thr580Ala (NM_001353893.2); c.1609A>G, p.Thr537Ala (NM_001353894.2); and 5 more; short protein forms T614A, T658A, T512A, T537A, T571A, T596A, T639A, T376A.
Identifiers: ClinVar variation 2794009 (VCV002794009.4), dbSNP rs1443324251, ClinGen allele CA412495693.

ClinVar aggregate classification (germline): Uncertain significance. Review status: criteria provided, multiple submitters, no conflicts (2 of 4 stars). 2 submissions from 2 submitters: Uncertain significance (2). Last evaluated 2026-08-04.

Allele frequency attached by ClinVar (database versions not stated): TOPMed below 0.00001; gnomAD 0.00001; gnomAD exomes below 0.00001.
gnomAD v4.1: 7 of 1,210,008 alleles (0.00058%); highest among the groups gnomAD compares: Non-Finnish European, 0.00067%; no homozygotes.

Submissions (2):

Ambry Genetics
Classification: Uncertain significance. Last evaluated: 2026-08-04. Review status: criteria provided, single submitter. Criteria: Ambry Variant Classification Scheme 2023. Collection method: clinical testing. Allele origin: germline.

Labcorp Genetics (formerly Invitae), Labcorp
Classification: Uncertain significance. Last evaluated: 2024-08-09. Review status: criteria provided, single submitter. Criteria: Invitae Variant Classification Sherloc (09022015). Collection method: clinical testing. Allele origin: germline.
Comment: This sequence change replaces threonine, which is neutral and polar, with alanine, which is neutral and non-polar, at codon 614 of the SH3KBP1 protein (p.Thr614Ala). This variant is not present in population databases (gnomAD no frequency). This variant has not been reported in the literature in individuals affected with SH3KBP1-related conditions. Advanced modeling of protein sequence and biophysical properties (such as structural, functional, and spatial information, amino acid conservation, physicochemical variation, residue mobility, and thermodynamic stability) performed at Invitae indicates that this missense variant is not expected to disrupt SH3KBP1 protein function with a negative predictive value of 80%. In summary, the available evidence is currently insufficient to determine the role of this variant in disease. Therefore, it has been classified as a Variant of Uncertain Significance.